The following is an entry in ClinVar:

ClinVar aggregate classification (germline): Conflicting classifications of pathogenicity. Review status: criteria provided, conflicting classifications (1 of 4 stars). 2 submissions from 2 submitters: Uncertain significance (1); Likely benign (1). Last evaluated 2018-06-09.

Conditions:
Dilated cardiomyopathy 1G (CMD1G). Identifiers: Orphanet 154, MedGen C1858763, MONDO:0011400, OMIM 604145.
Autosomal recessive limb-girdle muscular dystrophy type 2J (LGMDR10). Also called: Limb-girdle muscular dystrophy, type 2J; MUSCULAR DYSTROPHY, LIMB-GIRDLE, AUTOSOMAL RECESSIVE 10. Identifiers: Orphanet 140922, MedGen C1837342, MONDO:0012127, OMIM 608807.

Allele frequency attached by ClinVar (database versions not stated): gnomAD exomes below 0.00001.
gnomAD v4.1: 9 of 1,577,024 alleles (0.00057%); highest among the groups gnomAD compares: Non-Finnish European, 0.00078%; no homozygotes.

Submissions (2):

Labcorp Genetics (formerly Invitae), Labcorp
Classification: Likely benign for Dilated cardiomyopathy 1G; Autosomal recessive limb-girdle muscular dystrophy type 2J. Last evaluated: 2018-06-09. Review status: criteria provided, single submitter. Criteria: Invitae Variant Classification Sherloc (09022015). Collection method: clinical testing. Allele origin: germline.

Laboratory for Molecular Medicine, Mass General Brigham Personalized Medicine
Classification: Uncertain significance. Last evaluated: 2014-03-18. Review status: criteria provided, single submitter. Criteria: LMM Criteria. Collection method: clinical testing. Allele origin: germline. Observed: 1 variant allele.
Comment: The 11765-8T>C variant in TTN has not been previously reported in individuals wi th cardiomyopathy and data from large population studies are insufficient to ass ess the frequency of this variant. This variant is located in the 3' splice regi on. Computational tools do not suggest an impact to splicing. However, this info rmation is not predictive enough to rule out pathogenicity. Additional informati on is needed to fully assess the clinical significance of the 11765-8T>C variant .

NM_001267550.2(TTN):c.15497-8T>C

Gene: TTN (titin; minus strand). Cytogenetic location: 2q31.2.
Variant type: single nucleotide variant.
Coding change: c.15497-8T>C on transcript NM_001267550.2 (MANE Select); 8 bases into the intron before coding-DNA position 15497, T replaced by C.
Molecular consequence: intron variant.
Genome position (GRCh38, 1-based): chr2:178,733,900, A>G on the plus strand (T>C on the coding strand, the complement: TTN is on the minus strand). VCF-style: chr2-178733900-A-G. GRCh37 (hg19) VCF-style: chr2-179598627-A-G.
Other names: c.13282+4182T>C (NM_003319.4); c.13858+4182T>C (NM_133437.4); c.13657+4182T>C (NM_133432.3); c.11765-8T>C (NM_133378.4); c.14546-8T>C (NM_001256850.1).
Identifiers: ClinVar variation 179638 (VCV000179638.14), dbSNP rs727505010, ClinGen allele CA184824.